The following is an entry in ClinVar:

ClinVar aggregate classification (germline): Uncertain significance (1 of 4 stars; one submission).

Allele frequency attached by ClinVar (database versions not stated): ExAC 0.00001; gnomAD 0.00001; gnomAD exomes 0.00001; TOPMed 0.00001.
gnomAD v4.1: 11 of 1,582,510 alleles (0.0007%); highest among the groups gnomAD compares: Non-Finnish European, 0.00094%; no homozygotes.

Submission:

Labcorp Genetics (formerly Invitae), Labcorp
Classification: Uncertain significance. Last evaluated: 2022-05-04. Review status: criteria provided, single submitter. Criteria: Invitae Variant Classification Sherloc (09022015). Collection method: clinical testing. Allele origin: germline.
Comment: This sequence change replaces isoleucine, which is neutral and non-polar, with valine, which is neutral and non-polar, at codon 103 of the SON protein (p.Ile103Val). This variant is present in population databases (rs774284480, gnomAD 0.002%). This variant has not been reported in the literature in individuals affected with SON-related conditions. Algorithms developed to predict the effect of missense changes on protein structure and function output the following: SIFT: "Tolerated"; PolyPhen-2: "Benign"; Align-GVGD: "Class C0". The valine amino acid residue is found in multiple mammalian species, which suggests that this missense change does not adversely affect protein function. In summary, the available evidence is currently insufficient to determine the role of this variant in disease. Therefore, it has been classified as a Variant of Uncertain Significance.

NM_138927.4(SON):c.307A>G (p.Ile103Val)

Gene: SON (SON DNA and RNA binding protein; plus strand). Cytogenetic location: 21q22.11.
Variant type: single nucleotide variant.
Coding change: c.307A>G on transcript NM_138927.4 (MANE Select); coding-DNA position 307, A replaced by G.
Protein change: p.Ile103Val; replaces isoleucine 103 with valine.
Molecular consequence: missense variant. On other transcripts: non-coding transcript variant (1), intron variant (1).
Genome position (GRCh38, 1-based): chr21:33,549,538, A>G. VCF-style: chr21-33549538-A-G. GRCh37 (hg19) VCF-style: chr21-34921844-A-G.
Other names: c.307A>G, p.Ile103Val (NM_001291411.2, NM_032195.3); c.244+3159A>G (NM_001291412.3); short protein forms I103V.
Identifiers: ClinVar variation 1476966 (VCV001476966.5), dbSNP rs774284480, ClinGen allele CA10008647.